The following is an entry in ClinVar:

NM_024596.5(MCPH1):c.581-56A>G

Gene: MCPH1 (microcephalin 1; plus strand). Cytogenetic location: 8p23.1.
Variant type: single nucleotide variant.
Coding change: c.581-56A>G on transcript NM_024596.5 (MANE Select); 56 bases into the intron before coding-DNA position 581, A replaced by G.
Molecular consequence: intron variant.
Genome position (GRCh38, 1-based): chr8:6,442,011, A>G. VCF-style: chr8-6442011-A-G. GRCh37 (hg19) VCF-style: chr8-6299532-A-G.
Other names: c.581-56A>G (NM_001322042.2, NM_001363980.2, NM_001363979.1 and 1 more transcripts); c.437-56A>G (NM_001172575.2); c.575-56A>G (NM_001322043.2); c.479-56A>G (NM_001322045.2).
Identifiers: ClinVar variation 673931 (VCV000673931.2), dbSNP rs2053618, ClinGen allele CA171401431.

ClinVar aggregate classification (germline): Benign. Review status: criteria provided, multiple submitters, no conflicts (2 of 4 stars). 2 submissions from 2 submitters: Benign (2). Last evaluated 2018-06-16.

Allele frequency attached by ClinVar (database versions not stated): 1000 Genomes Project 30x 0.67052; 1000 Genomes Project 0.67692; TOPMed 0.68756; gnomAD 0.69853 and 0.70464; ESP Exome Variant Server 0.70215.
gnomAD v4.1: 992,168 of 1,238,778 alleles (80%); highest among the groups gnomAD compares: Admixed American, 84%; 404,286 homozygotes.

Submissions (2):

GeneDx
Classification: Benign. Last evaluated: 2018-06-16. Review status: criteria provided, single submitter. Criteria: GeneDx Variant Classification (06012015). Collection method: clinical testing. Allele origin: germline. Affected: yes.
Comment: This variant is considered likely benign or benign based on one or more of the following criteria: it is a conservative change, it occurs at a poorly conserved position in the protein, it is predicted to be benign by multiple in silico algorithms, and/or has population frequency not consistent with disease.

Breakthrough Genomics
Classification: Benign. Review status: criteria provided, single submitter. Criteria: ACMG Guidelines, 2015. Collection method: not provided. Allele origin: germline. Inheritance: Autosomal recessive inheritance. Affected: yes.